The following is an entry in ClinVar:

NM_001375883.1(GPR161):c.682G>T (p.Val228Phe)

Gene: GPR161 (G protein-coupled receptor 161; minus strand). Cytogenetic location: 1q24.2.
Variant type: single nucleotide variant.
Coding change: c.682G>T on transcript NM_001375883.1 (MANE Select); coding-DNA position 682, G replaced by T.
Protein change: p.Val228Phe; replaces valine 228 with phenylalanine.
Molecular consequence: missense variant.
Genome position (GRCh38, 1-based): chr1:168,096,925, C>A on the plus strand (G>T on the coding strand, the complement: GPR161 is on the minus strand). VCF-style: chr1-168096925-C-A. GRCh37 (hg19) VCF-style: chr1-168066163-C-A.
Other names: c.742G>T, p.Val248Phe (NM_001267609.1); c.682G>T, p.Val228Phe (NM_001267610.2, NM_001349632.1, NM_001349633.1 and 5 more transcripts); c.733G>T, p.Val245Phe (NM_001267611.1); c.286G>T, p.Val96Phe (NM_001267612.2, NM_001349635.1); c.448G>T, p.Val150Phe (NM_001267613.1); c.340G>T, p.Val114Phe (NM_001267614.1); short protein forms V114F, V150F, V228F, V245F, V248F, V96F.
Identifiers: ClinVar variation 1711122 (VCV001711122.3), dbSNP rs143799014, ClinGen allele CA343102825.

ClinVar aggregate classification (germline): Conflicting classifications of pathogenicity. Review status: criteria provided, conflicting classifications (1 of 4 stars). 2 submissions from 2 submitters: Uncertain significance (1); Likely benign (1). Last evaluated 2026-04-01.

Conditions:
Medulloblastoma (MDB). Also called: Medulloblastoma, somatic; MEDULLOBLASTOMA PREDISPOSITION SYNDROME. Identifiers: Orphanet 616, MedGen C0025149, MeSH D008527, MONDO:0007959, OMIM 155255, HP:0002885.

gnomAD v4.1: 8 of 1,613,738 alleles (0.0005%); highest among the groups gnomAD compares: Admixed American, 0.013%; no homozygotes.

Submissions (2):

CeGaT Center for Human Genetics Tuebingen
Classification: Likely benign. Last evaluated: 2026-04-01. Review status: criteria provided, single submitter. Criteria: CeGaT Center For Human Genetics Tuebingen Variant Classification Criteria Version 2. Collection method: clinical testing. Allele origin: germline. Affected: yes. Observed: 1 variant allele.
Comment: GPR161: BP4

St. Jude Molecular Pathology, St. Jude Children's Research Hospital
Classification: Uncertain significance for Medulloblastoma. Last evaluated: 2022-08-02. Review status: criteria provided, single submitter. Criteria: St. Jude Assertion Criteria 2020. Collection method: clinical testing. Allele origin: germline.
Comment: The GPR161 c.682G>T (p.Val228Phe) missense change has a maximum subpopulation frequency of 0.012% in gnomAD v2.1.1. The in silico tool REVEL is inconclusive about a pathogenic or benign effect of this variant on protein function, and to our knowledge functional studies have not been performed. To our knowledge, this variant has not been reported in individuals with a personal and/or family history of medulloblastoma. In summary, the evidence currently available is insufficient to determine the clinical significance of this variant. It has therefore been classified as of uncertain significance.